The following is an entry in ClinVar:

ClinVar aggregate classification (germline): Uncertain significance (1 of 4 stars; one submission).

Submission:

Labcorp Genetics (formerly Invitae), Labcorp
Classification: Uncertain significance. Last evaluated: 2022-07-18. Review status: criteria provided, single submitter. Criteria: Invitae Variant Classification Sherloc (09022015). Collection method: clinical testing. Allele origin: germline.
Comment: In summary, the available evidence is currently insufficient to determine the role of this variant in disease. Therefore, it has been classified as a Variant of Uncertain Significance. Experimental studies and prediction algorithms are not available or were not evaluated, and the functional significance of this variant is currently unknown. This variant has not been reported in the literature in individuals affected with COL18A1-related conditions. This variant is not present in population databases (gnomAD no frequency). This sequence change replaces proline, which is neutral and non-polar, with leucine, which is neutral and non-polar, at codon 83 of the COL18A1 protein (p.Pro83Leu). The COL18A1 gene has multiple clinically relevant transcripts. This variant occurs in alternate transcript NM_030582.4, and corresponds to NM_130445.3:c.107-12464C>T in the primary transcript.

NM_001379500.1(COL18A1):c.107-12464C>T

Gene: COL18A1 (collagen type XVIII alpha 1 chain; plus strand). Cytogenetic location: 21q22.3.
Variant type: single nucleotide variant.
Coding change: c.107-12464C>T on transcript NM_001379500.1 (MANE Select); 12464 bases into the intron before coding-DNA position 107, C replaced by T.
Molecular consequence: intron variant. On other transcripts: missense variant (2).
Genome position (GRCh38, 1-based): chr21:45,455,778, C>T. VCF-style: chr21-45455778-C-T. GRCh37 (hg19) VCF-style: chr21-46875692-C-T.
Other names: c.248C>T, p.Pro83Leu (NM_030582.4, NM_130444.3); short protein forms P83L.
Identifiers: ClinVar variation 2053800 (VCV002053800.4), dbSNP rs948575157, ClinGen allele CA410505437.
Genomic context (GRCh38, chr21:45,455,778, plus strand): 5'-ACGTGACCCCCCGGAATGGTTCCACAGAGCCAGCGACAGCCCCTGGCAGCCCTGAGCCAC[C>T]CTCAGAGCTGCTGGAAGATGGCCAGGACACCCCCACTTCTGCCGAGAGCCCGGACGCGCC-3'